The following is an entry in ClinVar:

NM_024570.4(RNASEH2B):c.322-17A>G

Gene: RNASEH2B (ribonuclease H2 subunit B; plus strand). Cytogenetic location: 13q14.3.
Variant type: single nucleotide variant.
Coding change: c.322-17A>G on transcript NM_024570.4 (MANE Select); 17 bases into the intron before coding-DNA position 322, A replaced by G.
Molecular consequence: intron variant.
Genome position (GRCh38, 1-based): chr13:50,934,868, A>G. VCF-style: chr13-50934868-A-G. GRCh37 (hg19) VCF-style: chr13-51509004-A-G.
Other names: c.322-17A>G (NM_001142279.2).
Identifiers: ClinVar variation 1810198 (VCV001810198.4), dbSNP rs1221359513, ClinGen allele CA609910216.

ClinVar aggregate classification (germline): Conflicting classifications of pathogenicity. Review status: criteria provided, conflicting classifications (1 of 4 stars). 2 submissions from 2 submitters: Pathogenic (1); Uncertain significance (1). Last evaluated 2025-12-24.

Conditions:
Aicardi-Goutieres syndrome 2. Identifiers: Orphanet 51, MedGen C3489724, MONDO:0012429, OMIM 610181.

Allele frequency attached by ClinVar (database versions not stated): gnomAD exomes below 0.00001; gnomAD 0.00001.
gnomAD v4.1: 7 of 1,527,120 alleles (0.00046%); highest among the groups gnomAD compares: Non-Finnish European, 0.00063%; no homozygotes.

Submissions (2):

Labcorp Genetics (formerly Invitae), Labcorp
Classification: Pathogenic for Aicardi-Goutieres syndrome 2. Last evaluated: 2025-12-24. Review status: criteria provided, single submitter. Criteria: Invitae Variant Classification Sherloc (09022015). Collection method: clinical testing. Allele origin: germline.
Comment: This sequence change falls in intron 4 of the RNASEH2B gene. It does not directly change the encoded amino acid sequence of the RNASEH2B protein. RNA analysis indicates that this variant induces altered splicing and may result in an absent or altered protein product. This variant is present in population databases (no rsID available, gnomAD 0.0009%). This variant has been observed in individual(s) with RNASEH2B-related conditions (PMID: 24183309, 36775013). In at least one individual the data is consistent with being in trans (on the opposite chromosome) from a pathogenic variant. ClinVar contains an entry for this variant (Variation ID: 1810198). Studies have shown that this variant results in activation of a cryptic splice site, and produces a non-functional protein and/or introduces a premature termination codon (PMID: 36775013). For these reasons, this variant has been classified as Pathogenic.

Institute for Genomic Medicine (IGM) Clinical Laboratory, Nationwide Children's Hospital
Classification: Uncertain significance for Aicardi-Goutieres syndrome 2. Last evaluated: 2021-05-20. Review status: criteria provided, single submitter. Criteria: ACMG Guidelines, 2015. Collection method: clinical testing. Allele origin: germline. Affected: yes.
Comment: [ACMG/AMP: PM2, PM3] This alteration is absent from or rarely observed in large-scale population databases [PM2] and is detected in trans with a known pathogenic variant [PM3].

Literature cited by the submitters: PubMed 24183309 (cited by Labcorp Genetics (formerly Invitae), Labcorp); PubMed 36775013 (cited by Labcorp Genetics (formerly Invitae), Labcorp).